The following is an entry in ClinVar:

NM_001378120.1(MBD5):c.1249A>G (p.Met417Val)

Gene: MBD5 (methyl-CpG binding domain protein 5; plus strand). Cytogenetic location: 2q23.1.
Variant type: single nucleotide variant.
Coding change: c.1249A>G on transcript NM_001378120.1 (MANE Select); coding-DNA position 1249, A replaced by G.
Protein change: p.Met417Val; replaces methionine 417 with valine.
Molecular consequence: missense variant.
Genome position (GRCh38, 1-based): chr2:148,469,192, A>G. VCF-style: chr2-148469192-A-G. GRCh37 (hg19) VCF-style: chr2-149226761-A-G.
Other names: c.1249A>G, p.Met417Val (NM_018328.5); short protein forms M417V.
Identifiers: ClinVar variation 647451 (VCV000647451.31), dbSNP rs1250224277, ClinGen allele CA348719288.

ClinVar aggregate classification (germline): Conflicting classifications of pathogenicity. Review status: criteria provided, conflicting classifications (1 of 4 stars). 3 submissions from 3 submitters: Uncertain significance (2); Benign (1). Last evaluated 2024-06-01.

Conditions:
Inborn genetic diseases. Identifiers: MedGen C0950123, MeSH D030342.
Intellectual developmental disorder, autosomal dominant 1. Also called: Intellectual disability, autosomal dominant 1; MBD5 Haploinsufficiency. Identifiers: Orphanet 228402, MedGen C1969562, MONDO:0007974, OMIM 156200.

Allele frequency attached by ClinVar (database versions not stated): gnomAD exomes below 0.00001; TOPMed 0.00001.
gnomAD v4.1: 5 of 1,614,038 alleles (0.00031%); highest among the groups gnomAD compares: South Asian, 0.0033%; no homozygotes.

Submissions (3):

CeGaT Center for Human Genetics Tuebingen
Classification: Uncertain significance. Last evaluated: 2024-06-01. Review status: criteria provided, single submitter. Criteria: CeGaT Center For Human Genetics Tuebingen Variant Classification Criteria Version 2. Collection method: clinical testing. Allele origin: germline. Affected: yes. Observed: 1 variant allele.
Comment: MBD5: PM5, BP4

Labcorp Genetics (formerly Invitae), Labcorp
Classification: Benign for Intellectual developmental disorder, autosomal dominant 1. Last evaluated: 2024-04-08. Review status: criteria provided, single submitter. Criteria: Invitae Variant Classification Sherloc (09022015). Collection method: clinical testing. Allele origin: germline.

Ambry Genetics
Classification: Uncertain significance for Inborn genetic diseases. Last evaluated: 2023-09-13. Review status: criteria provided, single submitter. Criteria: Ambry Variant Classification Scheme 2023. Collection method: clinical testing. Allele origin: germline.